The following is an entry in ClinVar:

NM_002693.3(POLG):c.2099dup (p.Ala701fs)

Gene: POLG (DNA polymerase gamma, catalytic subunit; minus strand). Cytogenetic location: 15q26.1.
Variant type: Duplication.
Coding change: c.2099dup on transcript NM_002693.3 (MANE Select); coding-DNA position 2099, one base duplicated (A; older notation c.2099dupA).
Protein change: p.Ala701fs; shifts the reading frame from alanine 701.
Molecular consequence: frameshift variant.
Genome position (GRCh38, 1-based): chr15:89,323,873, T duplicated on the plus strand (A on the coding strand, the reverse complement: POLG is on the minus strand). VCF-style (leftmost placement, unchanged base first): chr15-89323872-C-CT. GRCh37 (hg19) VCF-style: chr15-89867103-C-CT.
Other names: c.2099dup, p.Ala701fs (NM_001126131.2); short protein forms A701fs.
Identifiers: ClinVar variation 5016049 (VCV005016049.1).
Genomic context (GRCh38, chr15:89,323,872, plus strand): 5'-CACCAGAGCTAGGGGTTGACCTGGCACTGCAGCTCGCAAGTTCTCCATCTTGGCCTCAGC[C>CT]TCCACTTCTAAGTAATCCAGTTCTTCTACCTGGAGCAGTCCAAGGACCAAAGTAGTGAAG-3'

ClinVar aggregate classification (germline): Pathogenic (1 of 4 stars; one submission).

Conditions:
POLG-related disorder. Also called: POLG-Related Spectrum Disorders; POLG-related condition; POLG-Related Disorders. Identifiers: MedGen C4763519.

Submission:

Myriad Genetics, Inc.
Classification: Pathogenic for POLG-related disorder. Last evaluated: 2026-06-17. Review status: criteria provided, single submitter. Criteria: Myriad Autosomal Dominant, Autosomal Recessive and X-Linked Classification Criteria (2023). Collection method: clinical testing. Allele origin: unknown.
Comment: NM_002693.2(POLG):c.2099dupA(A701Gfs*2) is expected to be pathogenic in the context of POLG-related disorders. This variant is predicted to lead to an abnormal or absent protein product due to the creation of a premature termination codon in POLG, a gene where loss-of-function variants are known to be pathogenic. Please note: this variant was assessed in the context of healthy population screening.